The following is an entry in ClinVar:

NM_031935.3(HMCN1):c.12920T>C (p.Val4307Ala)

Gene: HMCN1 (hemicentin 1; plus strand). Cytogenetic location: 1q31.1.
Variant type: single nucleotide variant.
Coding change: c.12920T>C on transcript NM_031935.3 (MANE Select); coding-DNA position 12920, T replaced by C.
Protein change: p.Val4307Ala; replaces valine 4307 with alanine.
Molecular consequence: missense variant.
Genome position (GRCh38, 1-based): chr1:186,129,981, T>C. VCF-style: chr1-186129981-T-C. GRCh37 (hg19) VCF-style: chr1-186099113-T-C.
Other names: short protein forms V4307A.
Identifiers: ClinVar variation 2772712 (VCV002772712.3), dbSNP rs1165889471, ClinGen allele CA343906873.
Genomic context (GRCh38, chr1:186,129,981, plus strand): 5'-CCTAGGTTACTGAGAGGCACTTGTGTTGTTTCTTGTTTCCCTCAGCCCACTTTGACAGTG[T>C]GAATGGACACAGTGAACTTGTTATTGAAAGAGTGTCAAAAGAGGATTCAGGTACTTATGT-3'
Protein context (NP_114141.2, residues 4297-4317): NNIIPAHFDS[Val4307Ala]NGHSELVIER

ClinVar aggregate classification (germline): Uncertain significance (1 of 4 stars; one submission).

Allele frequency attached by ClinVar (database versions not stated): gnomAD exomes below 0.00001; TOPMed 0.00001.
gnomAD v4.1: 3 of 1,613,018 alleles (0.00019%); highest among the groups gnomAD compares: South Asian, 0.0033%; no homozygotes.

Submission:

Labcorp Genetics (formerly Invitae), Labcorp
Classification: Uncertain significance. Last evaluated: 2024-01-22. Review status: criteria provided, single submitter. Criteria: Invitae Variant Classification Sherloc (09022015). Collection method: clinical testing. Allele origin: germline.
Comment: This sequence change replaces valine, which is neutral and non-polar, with alanine, which is neutral and non-polar, at codon 4307 of the HMCN1 protein (p.Val4307Ala). This variant is not present in population databases (gnomAD no frequency). This variant has not been reported in the literature in individuals affected with HMCN1-related conditions. An algorithm developed to predict the effect of missense changes on protein structure and function (PolyPhen-2) suggests that this variant is likely to be disruptive. In summary, the available evidence is currently insufficient to determine the role of this variant in disease. Therefore, it has been classified as a Variant of Uncertain Significance.